The following is an entry in ClinVar:

ClinVar aggregate classification (germline): Uncertain significance (1 of 4 stars; one submission).

Conditions:
Epileptic encephalopathy. Identifiers: MedGen C0543888, HP:0200134.

Allele frequency attached by ClinVar (database versions not stated): gnomAD exomes 0.00002.
gnomAD v4.1: 26 of 1,612,642 alleles (0.0016%); highest among the groups gnomAD compares: Non-Finnish European, 0.0021%; no homozygotes.

Submission:

Labcorp Genetics (formerly Invitae), Labcorp
Classification: Uncertain significance for Epileptic encephalopathy. Last evaluated: 2024-05-15. Review status: criteria provided, single submitter. Criteria: Invitae Variant Classification Sherloc (09022015). Collection method: clinical testing. Allele origin: germline.
Comment: This sequence change replaces isoleucine, which is neutral and non-polar, with methionine, which is neutral and non-polar, at codon 1784 of the FASN protein (p.Ile1784Met). This variant is present in population databases (rs776458928, gnomAD 0.004%). This variant has not been reported in the literature in individuals affected with FASN-related conditions. ClinVar contains an entry for this variant (Variation ID: 1391577). An algorithm developed to predict the effect of missense changes on protein structure and function (PolyPhen-2) suggests that this variant is likely to be disruptive. In summary, the available evidence is currently insufficient to determine the role of this variant in disease. Therefore, it has been classified as a Variant of Uncertain Significance.

NM_004104.5(FASN):c.5352C>G (p.Ile1784Met)

Gene: FASN (fatty acid synthase; minus strand). Cytogenetic location: 17q25.3.
Variant type: single nucleotide variant.
Coding change: c.5352C>G on transcript NM_004104.5 (MANE Select); coding-DNA position 5352, C replaced by G.
Protein change: p.Ile1784Met; replaces isoleucine 1784 with methionine.
Molecular consequence: missense variant.
Genome position (GRCh38, 1-based): chr17:82,083,415, G>C on the plus strand (C>G on the coding strand, the complement: FASN is on the minus strand). VCF-style: chr17-82083415-G-C. GRCh37 (hg19) VCF-style: chr17-80041291-G-C.
Other names: short protein forms I1784M.
Identifiers: ClinVar variation 1391577 (VCV001391577.8), dbSNP rs776458928, ClinGen allele CA295127451.